The following is an entry in ClinVar:

ClinVar aggregate classification (germline): Benign/Likely benign. Review status: criteria provided, multiple submitters, no conflicts (2 of 4 stars). 4 submissions from 4 submitters: Benign (1); Likely benign (3). Last evaluated 2026-08-01.

Conditions:
Immunodeficiency 67. Also called: Immunodeficiency due to interleukin-1 receptor-associated kinase-4 deficiency. Identifiers: Orphanet 70592, MedGen C1843256, MONDO:0011888, OMIM 607676.

Allele frequency attached by ClinVar (database versions not stated): 1000 Genomes Project 30x 0.00234; 1000 Genomes Project 0.00280; TOPMed 0.00457; gnomAD 0.00517 and 0.00520; ESP Exome Variant Server 0.00546; gnomAD exomes 0.00566 and 0.00646; ExAC 0.00585.
gnomAD v4.1: 10,184 of 1,612,940 alleles (0.63%); highest among the groups gnomAD compares: Non-Finnish European, 0.72%; 48 homozygotes.

Submissions (4):

CeGaT Center for Human Genetics Tuebingen
Classification: Likely benign. Last evaluated: 2026-08-01. Review status: criteria provided, single submitter. Criteria: CeGaT Center For Human Genetics Tuebingen Variant Classification Criteria Version 2. Collection method: clinical testing. Allele origin: germline. Affected: yes. Observed: 8 variant alleles.
Comment: IRAK4: BP4, BP7, BS2

Labcorp Genetics (formerly Invitae), Labcorp
Classification: Benign for Immunodeficiency 67. Last evaluated: 2026-01-26. Review status: criteria provided, single submitter. Criteria: Invitae Variant Classification Sherloc (09022015). Collection method: clinical testing. Allele origin: germline.

Illumina Laboratory Services, Illumina
Classification: Likely benign for Immunodeficiency 67. Last evaluated: 2018-01-12. Review status: criteria provided, single submitter. Criteria: ICSL Variant Classification Criteria 13 December 2019. Collection method: clinical testing. Allele origin: germline.
Comment: This variant was observed in the ICSL laboratory as part of a predisposition screen in an ostensibly healthy population. It had not been previously curated by ICSL or reported in the Human Gene Mutation Database (HGMD: prior to June 1st, 2018), and was therefore a candidate for classification through an automated scoring system. Utilizing variant allele frequency, disease prevalence and penetrance estimates, and inheritance mode, an automated score was calculated to assess if this variant is too frequent to cause the disease. Based on the score and internal cut-off values, a variant classified as likely benign is not then subjected to further curation. The score for this variant resulted in a classification of likely benign for this disease.

Breakthrough Genomics
Classification: Likely benign. Review status: criteria provided, single submitter. Criteria: ACMG Guidelines, 2015. Collection method: not provided. Allele origin: germline. Inheritance: Autosomal recessive inheritance. Affected: yes.

NM_016123.4(IRAK4):c.318C>G (p.Pro106=)

Gene: IRAK4 (interleukin 1 receptor associated kinase 4; plus strand). Cytogenetic location: 12q12.
Variant type: single nucleotide variant.
Coding change: c.318C>G on transcript NM_016123.4 (MANE Select); coding-DNA position 318, C replaced by G.
Protein change: p.Pro106=; no amino-acid change (proline 106 retained).
Molecular consequence: synonymous variant. On other transcripts: 5 prime UTR variant (10).
Genome position (GRCh38, 1-based): chr12:43,772,190, C>G. VCF-style: chr12-43772190-C-G. GRCh37 (hg19) VCF-style: chr12-44165993-C-G.
Other names: c.318C>G, p.Pro106= (NM_001114182.3, NM_001351345.2); c.-55C>G (NM_001145256.2, NM_001145257.2, NM_001145258.2 and 5 more transcripts); c.-206C>G (NM_001351343.2, NM_001351344.2).
Identifiers: ClinVar variation 308725 (VCV000308725.48), dbSNP rs56338336, ClinGen allele CA6522341.